The following is an entry in ClinVar:

NM_006950.3(SYN1):c.1470G>C (p.Gln490His)

Gene: SYN1 (synapsin I; minus strand). Cytogenetic location: Xp11.3.
Variant type: single nucleotide variant.
Coding change: c.1470G>C on transcript NM_006950.3 (MANE Select); coding-DNA position 1470, G replaced by C.
Protein change: p.Gln490His; replaces glutamine 490 with histidine.
Molecular consequence: missense variant.
Genome position (GRCh38, 1-based): chrX:47,574,514, C>G on the plus strand (G>C on the coding strand, the complement: SYN1 is on the minus strand). VCF-style: chrX-47574514-C-G. GRCh37 (hg19) VCF-style: chrX-47433913-C-G.
Other names: c.1470G>C, p.Gln490His (NM_133499.2); short protein forms Q490H.
Identifiers: ClinVar variation 5037624 (VCV005037624.1).

ClinVar aggregate classification (germline): Uncertain significance (1 of 4 stars; one submission).

Submission:

GeneDx
Classification: Uncertain significance. Last evaluated: 2026-04-23. Review status: criteria provided, single submitter. Criteria: GeneDx Variant Classification Process June 2021. Collection method: clinical testing. Allele origin: germline.
Comment: Not observed at significant frequency in large population cohorts (gnomAD); In silico analysis suggests that this missense variant does not alter protein structure/function; Has not been previously published as pathogenic or benign to our knowledge